The following is an entry in ClinVar:

ClinVar aggregate classification (germline): Benign (1 of 4 stars; one submission).

Conditions:
Lynch syndrome 4 (LYNCH4). Also called: Colorectal cancer, hereditary nonpolyposis, type 4; Hereditary non-polyposis colorectal cancer, type 4. Identifiers: Orphanet 144, MedGen C1838333, MONDO:0013699, OMIM 614337. Disease mechanism: loss of function.

gnomAD v4.1: 2 of 1,353,554 alleles (0.00015%); highest among the groups gnomAD compares: East Asian, 0.0023%; no homozygotes.

Submission:

Myriad Genetics, Inc.
Classification: Benign for Lynch syndrome 4. Last evaluated: 2025-01-28. Review status: criteria provided, single submitter. Criteria: Myriad Autosomal Dominant, Autosomal Recessive and X-Linked Classification Criteria (2023). Collection method: clinical testing. Allele origin: unknown.
Comment: This variant is considered benign. This variant is intronic and is not expected to impact mRNA splicing.

NM_000535.7(PMS2):c.804-38C>T

Gene: PMS2 (PMS1 homolog 2, mismatch repair system component; minus strand). Cytogenetic location: 7p22.1.
Variant type: single nucleotide variant.
Coding change: c.804-38C>T on transcript NM_000535.7 (MANE Select); 38 bases into the intron before coding-DNA position 804, C replaced by T.
Molecular consequence: intron variant.
Genome position (GRCh38, 1-based): chr7:5,995,671, G>A on the plus strand (C>T on the coding strand, the complement: PMS2 is on the minus strand). VCF-style: chr7-5995671-G-A. GRCh37 (hg19) VCF-style: chr7-6035302-G-A.
Other names: c.399-38C>T (NM_001406908.1, NM_001322003.2, NM_001406887.1 and 19 more transcripts); c.495-38C>T (NM_001322015.2, NM_001406900.1, NM_001406880.1 and 6 more transcripts); c.468-38C>T (NM_001406885.1); c.486-38C>T (NM_001406901.1, NM_001406903.1, NM_001322007.2 and 4 more transcripts); c.231-38C>T (NM_001406909.1, NM_001322013.2); c.538-3614C>T (NM_001406886.1); c.636-38C>T (NM_001406884.1, NM_001406874.1); c.-130-38C>T (NM_001322011.2, NM_001322012.2); and 8 more.
Identifiers: ClinVar variation 3903916 (VCV003903916.1).